The following is an entry in ClinVar:

NM_000043.6(FAS):c.485A>T (p.Asn162Ile)

Gene: FAS (Fas cell surface death receptor; plus strand). Cytogenetic location: 10q23.31.
Variant type: single nucleotide variant.
Coding change: c.485A>T on transcript NM_000043.6 (MANE Select); coding-DNA position 485, A replaced by T.
Protein change: p.Asn162Ile; replaces asparagine 162 with isoleucine.
Molecular consequence: missense variant. On other transcripts: non-coding transcript variant (7).
Genome position (GRCh38, 1-based): chr10:89,010,580, A>T. VCF-style: chr10-89010580-A-T. GRCh37 (hg19) VCF-style: chr10-90770337-A-T.
Other names: c.485A>T, p.Asn162Ile (NM_001320619.2, NM_152871.4, NM_152872.4); short protein forms N162I.
Identifiers: ClinVar variation 1362635 (VCV001362635.6), dbSNP rs993150748, ClinGen allele CA377509000.
Genomic context (GRCh38, chr10:89,010,580, plus strand): 5'-CCTGTATTTTTTTTTCTAGATGTGAACATGGAATCATCAAGGAATGCACACTCACCAGCA[A>T]CACCAAGTGCAAAGAGGAAGGTAATTATTTTTTTACGGTTATATTCTCCTTTCCCCCAAC-3'
Protein context (NP_000034.1, residues 152-172): GIIKECTLTS[Asn162Ile]TKCKEEGSRS

ClinVar aggregate classification (germline): Uncertain significance (1 of 4 stars; one submission).

Conditions:
Autoimmune lymphoproliferative syndrome type 1. Also called: AUTOIMMUNE LYMPHOPROLIFERATIVE SYNDROME, TYPE I, AUTOSOMAL DOMINANT. Identifiers: Orphanet 3261, MedGen C2717884, MONDO:0011158, OMIM 601859.

Allele frequency attached by ClinVar (database versions not stated): gnomAD exomes below 0.00001.
gnomAD v4.1: 4 of 1,613,990 alleles (0.00025%); highest among the groups gnomAD compares: Non-Finnish European, 0.00034%; no homozygotes.

Submission:

Labcorp Genetics (formerly Invitae), Labcorp
Classification: Uncertain significance for Autoimmune lymphoproliferative syndrome. Last evaluated: 2021-10-10. Review status: criteria provided, single submitter. Criteria: Invitae Variant Classification Sherloc (09022015). Collection method: clinical testing. Allele origin: germline.
Comment: This variant is not present in population databases (ExAC no frequency). This sequence change replaces asparagine with isoleucine at codon 162 of the FAS protein (p.Asn162Ile). The asparagine residue is moderately conserved and there is a large physicochemical difference between asparagine and isoleucine. This variant has not been reported in the literature in individuals with FAS-related conditions. In summary, the available evidence is currently insufficient to determine the role of this variant in disease. Therefore, it has been classified as a Variant of Uncertain Significance. Algorithms developed to predict the effect of missense changes on protein structure and function are either unavailable or do not agree on the potential impact of this missense change (SIFT: "Not Available"; PolyPhen-2: "Probably Damaging"; Align-GVGD: "Not Available").